The following is an entry in ClinVar:

NM_003482.4(KMT2D):c.15341A>G (p.His5114Arg)

Gene: KMT2D (lysine methyltransferase 2D; minus strand). Cytogenetic location: 12q13.12.
Variant type: single nucleotide variant.
Coding change: c.15341A>G on transcript NM_003482.4 (MANE Select); coding-DNA position 15341, A replaced by G.
Protein change: p.His5114Arg; replaces histidine 5114 with arginine.
Molecular consequence: missense variant.
Genome position (GRCh38, 1-based): chr12:49,026,625, T>C on the plus strand (A>G on the coding strand, the complement: KMT2D is on the minus strand). VCF-style: chr12-49026625-T-C. GRCh37 (hg19) VCF-style: chr12-49420408-T-C.
Other names: short protein forms H5114R.
Identifiers: ClinVar variation 3340685 (VCV003340685.1).

ClinVar aggregate classification (germline): Pathogenic (1 of 4 stars; one submission).

Submission:

GeneDx
Classification: Pathogenic. Last evaluated: 2023-11-20. Review status: criteria provided, single submitter. Criteria: GeneDx Variant Classification Process June 2021. Collection method: clinical testing. Allele origin: germline. Affected: yes.
Comment: Identified in a patient with Kabuki syndrome in the published literature (PMID: 30459467) but no other information was provided; Not observed in large population cohorts (gnomAD); In silico analysis supports that this missense variant has a deleterious effect on protein structure/function; This variant is associated with the following publications: (PMID: 31883305, 30459467)